The following is an entry in ClinVar:

NM_001365999.1(SZT2):c.6536G>A (p.Arg2179Gln)

Gene: SZT2 (SZT2 subunit of KICSTOR complex; plus strand). Cytogenetic location: 1p34.2.
Variant type: single nucleotide variant.
Coding change: c.6536G>A on transcript NM_001365999.1 (MANE Select); coding-DNA position 6536, G replaced by A.
Protein change: p.Arg2179Gln; replaces arginine 2179 with glutamine.
Molecular consequence: missense variant.
Genome position (GRCh38, 1-based): chr1:43,438,726, G>A. VCF-style: chr1-43438726-G-A. GRCh37 (hg19) VCF-style: chr1-43904397-G-A.
Other names: c.6365G>A, p.Arg2122Gln (NM_015284.4); short protein forms R2122Q, R2179Q.
Identifiers: ClinVar variation 411935 (VCV000411935.15), dbSNP rs185955600, ClinGen allele CA809940.

ClinVar aggregate classification (germline): Uncertain significance. Review status: criteria provided, multiple submitters, no conflicts (2 of 4 stars). 5 submissions from 5 submitters: Uncertain significance (5). Last evaluated 2026-09-01.

Conditions:
Developmental and epileptic encephalopathy, 18 (DEE18). Also called: Early infantile epileptic encephalopathy 18. Identifiers: Orphanet 369894, MedGen C3809624, MONDO:0014201, OMIM 615476.
Inborn genetic diseases. Identifiers: MedGen C0950123, MeSH D030342.

Allele frequency attached by ClinVar (database versions not stated): ExAC 0.00005; 1000 Genomes Project 30x 0.00031; TOPMed 0.00010; gnomAD exomes 0.00002 and 0.00005; gnomAD 0.00006; 1000 Genomes Project 0.00020.
gnomAD v4.1: 35 of 1,614,092 alleles (0.0022%); highest among the groups gnomAD compares: Admixed American, 0.012%; no homozygotes.

Submissions (5):

GeneDx
Classification: Uncertain significance. Last evaluated: 2026-09-01. Review status: criteria provided, single submitter. Criteria: GeneDx Variant Classification Process June 2021. Collection method: clinical testing. Allele origin: germline.
Comment: Not observed at significant frequency in large population cohorts (gnomAD); In silico analysis supports that this missense variant does not alter protein structure/function; Has not been previously published as pathogenic or benign to our knowledge

Ambry Genetics
Classification: Uncertain significance for Inborn genetic diseases. Last evaluated: 2025-05-13. Review status: criteria provided, single submitter. Criteria: Ambry Variant Classification Scheme 2023. Collection method: clinical testing. Allele origin: germline.

ARUP Laboratories, Molecular Genetics and Genomics, ARUP Laboratories
Classification: Uncertain significance for Developmental and epileptic encephalopathy, 18. Last evaluated: 2025-04-01. Review status: criteria provided, single submitter. Criteria: ARUP Molecular Germline Variant Investigation Process 2024. Collection method: clinical testing. Allele origin: germline.

Genome-Nilou Lab
Classification: Uncertain significance for Developmental and epileptic encephalopathy, 18. Last evaluated: 2023-04-11. Review status: criteria provided, single submitter. Criteria: ACMG Guidelines, 2015. Collection method: clinical testing. Allele origin: germline. Affected: no.

Labcorp Genetics (formerly Invitae), Labcorp
Classification: Uncertain significance. Last evaluated: 2022-09-06. Review status: criteria provided, single submitter. Criteria: Invitae Variant Classification Sherloc (09022015). Collection method: clinical testing. Allele origin: germline.
Comment: This sequence change replaces arginine, which is basic and polar, with glutamine, which is neutral and polar, at codon 2122 of the SZT2 protein (p.Arg2122Gln). This variant is present in population databases (rs185955600, gnomAD 0.01%). This variant has not been reported in the literature in individuals affected with SZT2-related conditions. ClinVar contains an entry for this variant (Variation ID: 411935). Algorithms developed to predict the effect of missense changes on protein structure and function are either unavailable or do not agree on the potential impact of this missense change (SIFT: "Deleterious"; PolyPhen-2: "Possibly Damaging"; Align-GVGD: "Class C0"). In summary, the available evidence is currently insufficient to determine the role of this variant in disease. Therefore, it has been classified as a Variant of Uncertain Significance.